The following is an entry in ClinVar:

ClinVar aggregate classification (germline): Uncertain significance (1 of 4 stars; one submission).

Conditions:
Ataxia-telangiectasia syndrome (AT). Also called: LOUIS-BAR SYNDROME; Cerebello-oculocutaneous telangiectasia; Immunodeficiency with ataxia telangiectasia; ATAXIA-TELANGIECTASIA, COMPLEMENTATION GROUP A; ATAXIA-TELANGIECTASIA, FRESNO VARIANT; Ataxia-telangiectasia, complementation group D. Identifiers: Orphanet 100, MedGen C0004135, MONDO:0008840, OMIM 208900.

Submission:

Labcorp Genetics (formerly Invitae), Labcorp
Classification: Uncertain significance for Ataxia-telangiectasia syndrome. Last evaluated: 2024-08-27. Review status: criteria provided, single submitter. Criteria: Invitae Variant Classification Sherloc (09022015). Collection method: clinical testing. Allele origin: germline.
Comment: This sequence change replaces histidine, which is basic and polar, with asparagine, which is neutral and polar, at codon 1082 of the ATM protein (p.His1082Asn). This variant is not present in population databases (gnomAD no frequency). This variant has not been reported in the literature in individuals affected with ATM-related conditions. An algorithm developed to predict the effect of missense changes on protein structure and function outputs the following: PolyPhen-2: "Benign". The asparagine amino acid residue is found in multiple mammalian species, which suggests that this missense change does not adversely affect protein function. In summary, the available evidence is currently insufficient to determine the role of this variant in disease. Therefore, it has been classified as a Variant of Uncertain Significance.

NM_000051.4(ATM):c.3244C>A (p.His1082Asn)

Gene: ATM (ATM serine/threonine kinase; plus strand). Cytogenetic location: 11q22.3.
Variant type: single nucleotide variant.
Coding change: c.3244C>A on transcript NM_000051.4 (MANE Select); coding-DNA position 3244, C replaced by A.
Protein change: p.His1082Asn; replaces histidine 1082 with asparagine.
Molecular consequence: missense variant.
Genome position (GRCh38, 1-based): chr11:108,272,812, C>A. VCF-style: chr11-108272812-C-A. GRCh37 (hg19) VCF-style: chr11-108143539-C-A.
Other names: c.3244C>A, p.His1082Asn (NM_001351834.2); short protein forms H1082N.
Identifiers: ClinVar variation 3663466 (VCV003663466.2).
Genomic context (GRCh38, chr11:108,272,812, plus strand): 5'-AATGTAATGGGAAAAGACTTTCCTGTAAATGAAGTATTTACACAATTTCTTGCTGACAAT[C>A]ATCACCAAGTTCGCATGTTGGCTGCAGAGTCAATCAATAGGTAATGGGTCAAATATTCAT-3'
Protein context (NP_000042.3, residues 1072-1092): EVFTQFLADN[His1082Asn]HQVRMLAAES